The following is an entry in ClinVar:

NM_015474.4(SAMHD1):c.852+1G>A

Gene: SAMHD1 (SAM and HD domain containing deoxynucleoside triphosphate triphosphohydrolase 1; minus strand). Cytogenetic location: 20q11.23.
Variant type: single nucleotide variant.
Coding change: c.852+1G>A on transcript NM_015474.4 (MANE Select); the canonical splice donor site of the intron after coding-DNA position 852, G replaced by A.
Molecular consequence: splice donor variant.
Genome position (GRCh38, 1-based): chr20:36,919,363, C>T on the plus strand (G>A on the coding strand, the complement: SAMHD1 is on the minus strand). VCF-style: chr20-36919363-C-T. GRCh37 (hg19) VCF-style: chr20-35547766-C-T.
Other names: c.852+1G>A (NM_001363733.2, NM_001363729.2).
Identifiers: ClinVar variation 2992511 (VCV002992511.3), dbSNP rs780504624, ClinGen allele CA408846051.

ClinVar aggregate classification (germline): Likely pathogenic (1 of 4 stars; one submission).

Conditions:
Aicardi-Goutieres syndrome 5. Identifiers: Orphanet 51, MedGen C2749659, MONDO:0013059, OMIM 612952.

gnomAD v4.1: 1 of 1,613,150 alleles (0.000062%); highest among the groups gnomAD compares: Non-Finnish European, 0.000085%; no homozygotes.

Submission:

Labcorp Genetics (formerly Invitae), Labcorp
Classification: Likely pathogenic for Aicardi-Goutieres syndrome 5. Last evaluated: 2023-04-14. Review status: criteria provided, single submitter. Criteria: Invitae Variant Classification Sherloc (09022015). Collection method: clinical testing. Allele origin: germline.
Comment: In summary, the currently available evidence indicates that the variant is pathogenic, but additional data are needed to prove that conclusively. Therefore, this variant has been classified as Likely Pathogenic. Algorithms developed to predict the effect of sequence changes on RNA splicing suggest that this variant may disrupt the consensus splice site. This variant has not been reported in the literature in individuals affected with SAMHD1-related conditions. This variant is not present in population databases (gnomAD no frequency). This sequence change affects a donor splice site in intron 7 of the SAMHD1 gene. It is expected to disrupt RNA splicing. Variants that disrupt the donor or acceptor splice site typically lead to a loss of protein function (PMID: 16199547), and loss-of-function variants in SAMHD1 are known to be pathogenic (PMID: 19525956, 22461318).

Literature cited by the submitters: PubMed 16199547; PubMed 19525956; PubMed 22461318.